The following is an entry in ClinVar:

NM_001330260.2(SCN8A):c.2721G>C (p.Lys907Asn)

Gene: SCN8A (sodium voltage-gated channel alpha subunit 8; plus strand). Cytogenetic location: 12q13.13.
Variant type: single nucleotide variant.
Coding change: c.2721G>C on transcript NM_001330260.2 (MANE Select); coding-DNA position 2721, G replaced by C.
Protein change: p.Lys907Asn; replaces lysine 907 with asparagine.
Molecular consequence: missense variant.
Genome position (GRCh38, 1-based): chr12:51,765,847, G>C. VCF-style: chr12-51765847-G-C. GRCh37 (hg19) VCF-style: chr12-52159631-G-C.
Other names: c.2721G>C, p.Lys907Asn (NM_001177984.3, NM_001369788.1, NM_014191.4); short protein forms K907N.
Identifiers: ClinVar variation 1047367 (VCV001047367.9), dbSNP rs1038198905, ClinGen allele CA236317164.

ClinVar aggregate classification (germline): Uncertain significance (1 of 4 stars; one submission).

Conditions:
Early-infantile DEE. Also called: Ohtahara syndrome; Early infantile epileptic encephalopathy with suppression bursts; Early infantile epileptic encephalopathy. Identifiers: Orphanet 1934, MedGen C0393706, MONDO:0800491.

Allele frequency attached by ClinVar (database versions not stated): gnomAD 0.00001; gnomAD exomes 0.00001; TOPMed 0.00002.
gnomAD v4.1: 7 of 1,613,948 alleles (0.00043%); highest among the groups gnomAD compares: Admixed American, 0.005%; no homozygotes.

Submission:

Labcorp Genetics (formerly Invitae), Labcorp
Classification: Uncertain significance for Early-infantile DEE. Last evaluated: 2023-01-24. Review status: criteria provided, single submitter. Criteria: Invitae Variant Classification Sherloc (09022015). Collection method: clinical testing. Allele origin: germline.
Comment: In summary, the available evidence is currently insufficient to determine the role of this variant in disease. Therefore, it has been classified as a Variant of Uncertain Significance. Advanced modeling of protein sequence and biophysical properties (such as structural, functional, and spatial information, amino acid conservation, physicochemical variation, residue mobility, and thermodynamic stability) has been performed at Invitae for this missense variant, however the output from this modeling did not meet the statistical confidence thresholds required to predict the impact of this variant on SCN8A protein function. ClinVar contains an entry for this variant (Variation ID: 1047367). This variant has not been reported in the literature in individuals affected with SCN8A-related conditions. This variant is present in population databases (no rsID available, gnomAD 0.006%). This sequence change replaces lysine, which is basic and polar, with asparagine, which is neutral and polar, at codon 907 of the SCN8A protein (p.Lys907Asn).